The following is an entry in ClinVar:

NM_001244008.2(KIF1A):c.4360G>A (p.Ala1454Thr)

Gene: KIF1A (kinesin family member 1A; minus strand). Cytogenetic location: 2q37.3.
Variant type: single nucleotide variant.
Coding change: c.4360G>A on transcript NM_001244008.2 (MANE Select); coding-DNA position 4360, G replaced by A.
Protein change: p.Ala1454Thr; replaces alanine 1454 with threonine.
Molecular consequence: missense variant.
Genome position (GRCh38, 1-based): chr2:240,723,517, C>T on the plus strand (G>A on the coding strand, the complement: KIF1A is on the minus strand). VCF-style: chr2-240723517-C-T. GRCh37 (hg19) VCF-style: chr2-241662934-C-T.
Other names: c.4084G>A, p.Ala1362Thr (NM_001320705.2, NM_001379649.1); c.4111G>A, p.Ala1371Thr (NM_001330289.2); c.4159G>A, p.Ala1387Thr (NM_001330290.2, NM_001379648.1); c.4435G>A, p.Ala1479Thr (NM_001379631.1); c.4336G>A, p.Ala1446Thr (NM_001379632.1); c.4333G>A, p.Ala1445Thr (NM_001379633.1, NM_001379645.1); c.4186G>A, p.Ala1396Thr (NM_001379634.1); c.4183G>A, p.Ala1395Thr (NM_001379635.1, NM_001379646.1); and 7 more; short protein forms A1352T, A1362T, A1370T, A1387T, A1479T, A1395T, A1396T, A1445T.
Identifiers: ClinVar variation 2009538 (VCV002009538.4), dbSNP rs2536722902, ClinGen allele CA351305485.
Genomic context (GRCh38, chr2:240,723,517, plus strand): 5'-GAATGAGACTGTCACTCCGGGGCCTCCAGCCTGCCAGGTTCTCCTCGCCCCGGACATAGG[C>T]CACAGATGTGTCCAGGACTCGTCGGCGCCGGCGCTGCATCCCTGCATGGGGCACGTGGAC-3'
Protein context (NP_001230937.1, residues 1444-1464): RRRRVLDTSV[Ala1454Thr]YVRGEENLAG

ClinVar aggregate classification (germline): Uncertain significance (1 of 4 stars; one submission).

Conditions:
Hereditary spastic paraplegia 30. Identifiers: Orphanet 101010, MedGen C5235139, MONDO:0012476.
Neuropathy, hereditary sensory, type 2C. Also called: Hereditary sensory and autonomic neuropathy type IIC; KIF1A-Related HSAN2 (HSAN2C). Identifiers: Orphanet 970, MedGen C3280168, MONDO:0013634, OMIM 614213.
Intellectual disability, autosomal dominant 9 (NESCAVS). Also called: NESCAV SYNDROME; KIF1A-Related Neurodevelopmental Disorder. Identifiers: Orphanet 662367, MedGen C5393830, MONDO:0013656, OMIM 614255.

Submission:

Labcorp Genetics (formerly Invitae), Labcorp
Classification: Uncertain significance for Hereditary spastic paraplegia 30; Neuropathy, hereditary sensory, type 2C; Intellectual disability, autosomal dominant 9. Last evaluated: 2022-06-23. Review status: criteria provided, single submitter. Criteria: Invitae Variant Classification Sherloc (09022015). Collection method: clinical testing. Allele origin: germline.
Comment: This sequence change replaces alanine, which is neutral and non-polar, with threonine, which is neutral and polar, at codon 1353 of the KIF1A protein (p.Ala1353Thr). This variant is not present in population databases (gnomAD no frequency). This variant has not been reported in the literature in individuals affected with KIF1A-related conditions. Advanced modeling of protein sequence and biophysical properties (such as structural, functional, and spatial information, amino acid conservation, physicochemical variation, residue mobility, and thermodynamic stability) performed at Invitae indicates that this missense variant is not expected to disrupt KIF1A protein function. In summary, the available evidence is currently insufficient to determine the role of this variant in disease. Therefore, it has been classified as a Variant of Uncertain Significance.